The following is an entry in ClinVar:

NM_000388.4(CASR):c.1669G>T (p.Gly557Trp)

Gene: CASR (calcium sensing receptor; plus strand). Cytogenetic location: 3q21.1.
Variant type: single nucleotide variant.
Coding change: c.1669G>T on transcript NM_000388.4 (MANE Select); coding-DNA position 1669, G replaced by T.
Protein change: p.Gly557Trp; replaces glycine 557 with tryptophan.
Molecular consequence: missense variant.
Genome position (GRCh38, 1-based): chr3:122,282,173, G>T. VCF-style: chr3-122282173-G-T. GRCh37 (hg19) VCF-style: chr3-122001020-G-T.
Other names: c.1699G>T, p.Gly567Trp (NM_001178065.2); short protein forms G557W, G567W.
Identifiers: ClinVar variation 1999620 (VCV001999620.4), dbSNP rs2107648307, ClinGen allele CA354156237.

ClinVar aggregate classification (germline): Uncertain significance (1 of 4 stars; one submission).

Conditions:
Autosomal dominant hypocalcemia 1 (HYPOC1). Also called: HYPOCALCEMIA, FAMILIAL. Identifiers: MedGen C3715128, MONDO:0011013, OMIM 601198.
Familial hypocalciuric hypercalcemia (FHH). Also called: Familial benign hypercalcemia. Identifiers: Orphanet 405, MedGen C1809471, MONDO:0018458.

Submission:

Labcorp Genetics (formerly Invitae), Labcorp
Classification: Uncertain significance for Familial hypocalciuric hypercalcemia; Autosomal dominant hypocalcemia 1. Last evaluated: 2023-12-08. Review status: criteria provided, single submitter. Criteria: Invitae Variant Classification Sherloc (09022015). Collection method: clinical testing. Allele origin: germline.
Comment: This sequence change replaces glycine, which is neutral and non-polar, with tryptophan, which is neutral and slightly polar, at codon 557 of the CASR protein (p.Gly557Trp). This variant is not present in population databases (gnomAD no frequency). This missense change has been observed in individual(s) with hypercalcemia (Invitae). ClinVar contains an entry for this variant (Variation ID: 1999620). An algorithm developed to predict the effect of missense changes on protein structure and function (PolyPhen-2) suggests that this variant is likely to be disruptive. This variant disrupts the p.Gly557 amino acid residue in CASR. Other variant(s) that disrupt this residue have been determined to be pathogenic (PMID: 11762699, 16491288, 27434672). This suggests that this residue is clinically significant, and that variants that disrupt this residue are likely to be disease-causing. In summary, the available evidence is currently insufficient to determine the role of this variant in disease. Therefore, it has been classified as a Variant of Uncertain Significance.

Literature cited by the submitters: PubMed 11762699; PubMed 16491288; PubMed 27434672.